The following is an entry in ClinVar:

NM_017534.6(MYH2):c.5487A>C (p.Glu1829Asp)

Genes: MYHAS (myosin heavy chain gene cluster antisense RNA; plus strand), MYH2 (myosin heavy chain 2; minus strand). Cytogenetic location: 17p13.1.
Variant type: single nucleotide variant.
Coding change: c.5487A>C on transcript NM_017534.6 (MANE Select); coding-DNA position 5487, A replaced by C.
Protein change: p.Glu1829Asp; replaces glutamic acid 1829 with aspartic acid.
Molecular consequence: missense variant.
Genome position (GRCh38, 1-based): chr17:10,523,398, T>G on the plus strand (A>C on the coding strand, the complement: MYH2 is on the minus strand). VCF-style: chr17-10523398-T-G. GRCh37 (hg19) VCF-style: chr17-10426715-T-G.
Other names: c.5487A>C, p.Glu1829Asp (NM_001100112.2); short protein forms E1829D.
Identifiers: ClinVar variation 3659953 (VCV003659953.2).

ClinVar aggregate classification (germline): Uncertain significance (1 of 4 stars; one submission).

Conditions:
Myopathy, proximal, and ophthalmoplegia (CMYO6). Also called: MYOPATHY WITH CONGENITAL JOINT CONTRACTURES, OPHTHALMOPLEGIA, AND RIMMED VACUOLES; INCLUSION BODY MYOPATHY 3, AUTOSOMAL DOMINANT; CONGENITAL MYOPATHY 6 WITH OPHTHALMOPLEGIA. Identifiers: Orphanet 363677, Orphanet 79091, MedGen C1854106, MONDO:0011577, OMIM 605637.

Submission:

Labcorp Genetics (formerly Invitae), Labcorp
Classification: Uncertain significance for Myopathy, proximal, and ophthalmoplegia. Last evaluated: 2025-08-15. Review status: criteria provided, single submitter. Criteria: Invitae Variant Classification Sherloc (09022015). Collection method: clinical testing. Allele origin: germline.
Comment: This sequence change replaces glutamic acid, which is acidic and polar, with aspartic acid, which is acidic and polar, at codon 1829 of the MYH2 protein (p.Glu1829Asp). This variant is not present in population databases (gnomAD no frequency). This variant has not been reported in the literature in individuals affected with MYH2-related conditions. ClinVar contains an entry for this variant (Variation ID: 3659953). Invitae Evidence Modeling of protein sequence and biophysical properties (such as structural, functional, and spatial information, amino acid conservation, physicochemical variation, residue mobility, and thermodynamic stability) indicates that this missense variant is not expected to disrupt MYH2 protein function with a negative predictive value of 80%. In summary, the available evidence is currently insufficient to determine the role of this variant in disease. Therefore, it has been classified as a Variant of Uncertain Significance.